The following is an entry in ClinVar:

ClinVar aggregate classification (germline): Uncertain significance (1 of 4 stars; one submission).

Allele frequency attached by ClinVar (database versions not stated): gnomAD exomes below 0.00001 and 0.00001; gnomAD 0.00001; TOPMed 0.00002.
gnomAD v4.1: 7 of 1,613,604 alleles (0.00043%); highest among the groups gnomAD compares: Admixed American, 0.0017%; no homozygotes.

Submission:

Labcorp Genetics (formerly Invitae), Labcorp
Classification: Uncertain significance. Last evaluated: 2021-10-07. Review status: criteria provided, single submitter. Criteria: Invitae Variant Classification Sherloc (09022015). Collection method: clinical testing. Allele origin: germline.
Comment: In summary, the available evidence is currently insufficient to determine the role of this variant in disease. Therefore, it has been classified as a Variant of Uncertain Significance. Algorithms developed to predict the effect of missense changes on protein structure and function are either unavailable or do not agree on the potential impact of this missense change (SIFT: "Deleterious"; PolyPhen-2: "Benign"; Align-GVGD: "Class C15"). This variant has not been reported in the literature in individuals affected with KIF20A-related conditions. This variant is not present in population databases (ExAC no frequency). This sequence change replaces phenylalanine with leucine at codon 299 of the KIF20A protein (p.Phe299Leu). The phenylalanine residue is highly conserved and there is a small physicochemical difference between phenylalanine and leucine.

NM_005733.3(KIF20A):c.897C>G (p.Phe299Leu)

Gene: KIF20A (kinesin family member 20A; plus strand). Cytogenetic location: 5q31.2.
Variant type: single nucleotide variant.
Coding change: c.897C>G on transcript NM_005733.3 (MANE Select); coding-DNA position 897, C replaced by G.
Protein change: p.Phe299Leu; replaces phenylalanine 299 with leucine.
Molecular consequence: missense variant.
Genome position (GRCh38, 1-based): chr5:138,183,233, C>G. VCF-style: chr5-138183233-C-G. GRCh37 (hg19) VCF-style: chr5-137518922-C-G.
Other names: short protein forms F299L.
Identifiers: ClinVar variation 1486910 (VCV001486910.6), dbSNP rs1014978406, ClinGen allele CA128185264.